The following is an entry in ClinVar:

ClinVar aggregate classification (germline): Pathogenic/Likely pathogenic. Review status: criteria provided, multiple submitters, no conflicts (2 of 4 stars). 2 submissions from 2 submitters: Pathogenic (1); Likely pathogenic (1). Last evaluated 2024-04-01.

Conditions:
ADGRV1-related disorder. Also called: ADGRV1-related condition; ADGRV1-related disorders.

Allele frequency attached by ClinVar (database versions not stated): gnomAD exomes 0.00001.
gnomAD v4.1: 13 of 1,613,774 alleles (0.00081%); highest among the groups gnomAD compares: Non-Finnish European, 0.0011%; no homozygotes.

Submissions (2):

CeGaT Center for Human Genetics Tuebingen
Classification: Pathogenic. Last evaluated: 2024-04-01. Review status: criteria provided, single submitter. Criteria: CeGaT Center For Human Genetics Tuebingen Variant Classification Criteria Version 2. Collection method: clinical testing. Allele origin: germline. Affected: yes. Observed: 1 variant allele.
Comment: ADGRV1: PVS1, PM2

Blueprint Genetics
Classification: Likely pathogenic for ADGRV1-related disorders. Last evaluated: 2022-01-11. Review status: criteria provided, single submitter. Criteria: ACMG Guidelines, 2015. Collection method: clinical testing. Allele origin: germline. Affected: yes. Observed: 1 variant allele.

NM_032119.4(ADGRV1):c.15916G>T (p.Gly5306Ter)

Gene: ADGRV1 (adhesion G protein-coupled receptor V1; plus strand). Cytogenetic location: 5q14.3.
Variant type: single nucleotide variant.
Coding change: c.15916G>T on transcript NM_032119.4 (MANE Select); coding-DNA position 15916, G replaced by T.
Protein change: p.Gly5306Ter; replaces glycine 5306 with a stop codon.
Molecular consequence: nonsense. On other transcripts: non-coding transcript variant (1).
Genome position (GRCh38, 1-based): chr5:90,811,176, G>T. VCF-style: chr5-90811176-G-T. GRCh37 (hg19) VCF-style: chr5-90106993-G-T.
Other names: short protein forms G5306*.
Identifiers: ClinVar variation 3234661 (VCV003234661.21), dbSNP rs2532192952, ClinGen allele CA360411296.